The following is an entry in ClinVar:

NM_007294.4(BRCA1):c.2086dup (p.Thr696fs)

Gene: BRCA1 (BRCA1 DNA repair associated; minus strand). Cytogenetic location: 17q21.31.
Variant type: Duplication.
Coding change: c.2086dup on transcript NM_007294.4 (MANE Select); coding-DNA position 2086, one base duplicated (A; older notation c.2086dupA).
Protein change: p.Thr696fs; shifts the reading frame from threonine 696.
Molecular consequence: frameshift variant. On other transcripts: intron variant (137).
Genome position (GRCh38, 1-based): chr17:43,093,445, T duplicated on the plus strand (A on the coding strand, the reverse complement: BRCA1 is on the minus strand). VCF-style (leftmost placement, unchanged base first): chr17-43093444-G-GT. GRCh37 (hg19) VCF-style: chr17-41245461-G-GT.
Other names: 2205insA; c.1873dup, p.Thr625fs (NM_001407571.1, NM_001407853.1, NM_001407894.1 and 9 more transcripts); c.2086dup, p.Thr696fs (NM_001407581.1, NM_001407582.1, NM_001407583.1 and 30 more transcripts); c.2083dup, p.Thr695fs (NM_001407587.1, NM_001407590.1, NM_001407591.1 and 22 more transcripts); c.2077dup, p.Thr693fs (NM_001407646.1, NM_001407647.1); c.1963dup, p.Thr655fs (NM_001407648.1, NM_001407664.1, NM_001407665.1 and 19 more transcripts); c.1960dup, p.Thr654fs (NM_001407649.1, NM_001407670.1, NM_001407671.1 and 11 more transcripts); c.2008dup, p.Thr670fs (NM_001407653.1, NM_001407654.1, NM_001407655.1 and 4 more transcripts); and 41 more; short protein forms T696fs, T649fs, T528fs, T568fs, T584fs, T648fs, T670fs, T569fs.
Identifiers: ClinVar variation 266216 (VCV000266216.7), dbSNP rs886039995, ClinGen allele CA10589896.

ClinVar aggregate classification (germline): Pathogenic. Review status: reviewed by expert panel (3 of 4 stars). 2 submissions from 2 submitters: Pathogenic (1). 1 of the submissions does not count toward it. Last evaluated 2016-10-18.

Conditions:
Breast-ovarian cancer, familial, susceptibility to, 1 (BROVCA1). Also called: BRCA1 Hereditary Breast and Ovarian Cancer; OVARIAN CANCER, SUSCEPTIBILITY TO. Identifiers: Orphanet 145, MedGen C2676676, MONDO:0011450, OMIM 604370. Disease mechanism: loss of function.

Submissions (2):

Evidence-based Network for the Interpretation of Germline Mutant Alleles (ENIGMA)
Classification: Pathogenic for Breast-ovarian cancer, familial, susceptibility to, 1. Last evaluated: 2016-10-18. Review status: reviewed by expert panel. Criteria: ENIGMA BRCA1/2 Classification Criteria (2015). Collection method: curation. Allele origin: germline.
Comment: Variant allele predicted to encode a truncated non-functional protein.

Consortium of Investigators of Modifiers of BRCA1/2 (CIMBA), c/o University of Cambridge
Classification: Pathogenic for Breast-ovarian cancer, familial, susceptibility to, 1. Last evaluated: 2015-10-02. Review status: criteria provided, single submitter. Criteria: CIMBA Mutation Classification guidelines May 2016. Collection method: clinical testing. Allele origin: germline. Not counted in ClinVar's aggregate classification.